The following is an entry in ClinVar:

NM_004292.3(RIN1):c.1929C>G (p.Thr643=)

Gene: RIN1 (Ras and Rab interactor 1; minus strand). Cytogenetic location: 11q13.2.
Variant type: single nucleotide variant.
Coding change: c.1929C>G on transcript NM_004292.3 (MANE Select); coding-DNA position 1929, C replaced by G.
Protein change: p.Thr643=; no amino-acid change (threonine 643 retained).
Molecular consequence: synonymous variant.
Genome position (GRCh38, 1-based): chr11:66,332,699, G>C on the plus strand (C>G on the coding strand, the complement: RIN1 is on the minus strand). VCF-style: chr11-66332699-G-C. GRCh37 (hg19) VCF-style: chr11-66100170-G-C.
Other names: c.1845C>G, p.Thr615= (NM_001363559.2); c.1743C>G, p.Thr581= (NM_001363560.2).
Identifiers: ClinVar variation 775092 (VCV000775092.28), dbSNP rs141977246, ClinGen allele CA6119349.

ClinVar aggregate classification (germline): Benign/Likely benign. Review status: criteria provided, multiple submitters, no conflicts (2 of 4 stars). 3 submissions from 3 submitters: Benign (2); Likely benign (1). Last evaluated 2023-01-01.

Allele frequency attached by ClinVar (database versions not stated): 1000 Genomes Project 30x 0.00094; 1000 Genomes Project 0.00120; TOPMed 0.00558; gnomAD 0.00627; ExAC 0.00632; gnomAD exomes 0.00644 and 0.00799; ESP Exome Variant Server 0.00663.

Submissions (3):

CeGaT Center for Human Genetics Tuebingen
Classification: Likely benign. Last evaluated: 2023-01-01. Review status: criteria provided, single submitter. Criteria: CeGaT Center For Human Genetics Tuebingen Variant Classification Criteria Version 2. Collection method: clinical testing. Allele origin: germline. Affected: yes. Observed: 3 variant alleles.
Comment: RIN1: BP4, BP7, BS2

Labcorp Genetics (formerly Invitae), Labcorp
Classification: Benign. Last evaluated: 2018-02-25. Review status: criteria provided, single submitter. Criteria: Invitae Variant Classification Sherloc (09022015). Collection method: clinical testing. Allele origin: germline.

Breakthrough Genomics
Classification: Benign. Review status: criteria provided, single submitter. Criteria: ACMG Guidelines, 2015. Collection method: not provided. Allele origin: germline. Inheritance: Unknown mechanism. Affected: yes.